The following is an entry in ClinVar:

ClinVar aggregate classification (germline): Pathogenic (1 of 4 stars; one submission).

Submission:

Labcorp Genetics (formerly Invitae), Labcorp
Classification: Pathogenic. Last evaluated: 2024-05-01. Review status: criteria provided, single submitter. Criteria: Invitae Variant Classification Sherloc (09022015). Collection method: clinical testing. Allele origin: germline.
Comment: This sequence change creates a premature translational stop signal (p.Arg27Thrfs*2) in the PUS3 gene. It is expected to result in an absent or disrupted protein product. Loss-of-function variants in PUS3 are known to be pathogenic (PMID: 27055666, 31444731, 34415064). This variant is not present in population databases (gnomAD no frequency). This variant has not been reported in the literature in individuals affected with PUS3-related conditions. ClinVar contains an entry for this variant (Variation ID: 2021462). For these reasons, this variant has been classified as Pathogenic.

Literature cited by the submitters: PubMed 27055666; PubMed 31444731; PubMed 34415064.

NM_031307.4(PUS3):c.78_79del (p.Arg27fs)

Genes: HYLS1 (HYLS1 centriolar and ciliogenesis associated; plus strand), PUS3 (pseudouridine synthase 3; minus strand). Cytogenetic location: 11q24.2.
Variant type: Deletion.
Coding change: c.78_79del on transcript NM_031307.4 (MANE Select); coding-DNA positions 78 to 79, 2 bases deleted (AA; older notation c.78_79delAA).
Protein change: p.Arg27fs; shifts the reading frame from arginine 27.
Molecular consequence: frameshift variant. On other transcripts: intron variant (6).
Genome position (GRCh38, 1-based): chr11:125,896,206-125,896,207, TT deleted on the plus strand (AA on the coding strand, the reverse complement: PUS3 is on the minus strand); deleting any 2 consecutive bases within chr11:125,896,206-125,896,208 gives the same sequence; the c. name uses the placement nearest the transcript's 3' end. VCF-style (leftmost placement, unchanged base first): chr11-125896205-CTT-C. GRCh37 (hg19) VCF-style: chr11-125766100-CTT-C.
Other names: c.-80-2897_-80-2896del (NM_145014.3); c.-25-3137_-25-3136del (NM_001134793.2, NM_001377269.1); c.-22-3140_-22-3139del (NM_001424364.1, NM_001377270.1); c.-246-418_-246-417del (NM_001271985.2); short protein forms R27fs.
Identifiers: ClinVar variation 2021462 (VCV002021462.4), dbSNP rs2497048802, ClinGen allele CA2580083806.
Genomic context (GRCh38, chr11:125,896,205, plus strand): 5'-CCTGCTGAATTTTCTCTAATGTTTGAGTCCTCCTTATTTTTGGCCTGTTCCTTTTTAAGT[CTT>C]TGCACCTCTTGCTCCAGTTCTCGTACTCTTTTTAGGAGCTTCTCAGTCTGGTTTCTGTCT-3'